The following is an entry in ClinVar:

NM_020166.5(MCCC1):c.863A>G (p.Glu288Gly)

Gene: MCCC1 (methylcrotonyl-CoA carboxylase subunit 1; minus strand). Cytogenetic location: 3q27.1.
Variant type: single nucleotide variant.
Coding change: c.863A>G on transcript NM_020166.5 (MANE Select); coding-DNA position 863, A replaced by G.
Protein change: p.Glu288Gly; replaces glutamic acid 288 with glycine.
Molecular consequence: missense variant. On other transcripts: non-coding transcript variant (2).
Genome position (GRCh38, 1-based): chr3:183,057,321, T>C on the plus strand (A>G on the coding strand, the complement: MCCC1 is on the minus strand). VCF-style: chr3-183057321-T-C. GRCh37 (hg19) VCF-style: chr3-182775109-T-C.
Other names: c.512A>G, p.Glu171Gly (NM_001293273.2); c.536A>G, p.Glu179Gly (NM_001363880.1); short protein forms E288G, E171G, E179G.
Identifiers: ClinVar variation 476400 (VCV000476400.19), dbSNP rs746500530, ClinGen allele CA2718956.
Genomic context (GRCh38, chr3:183,057,321, plus strand): 5'-TAAGATTCACATTACGGAGAAGCTTACAAATTTCTTTCCAAGGTCCTTACCGCTGGGGCC[T>C]CCTCAATGATCTTCTGATGTCGCCTCTGCACACTACAGTCTCTTTCAAACAAGTACACAG-3'
Protein context (NP_064551.3, residues 278-298): VQRRHQKIIE[Glu288Gly]APAPGIKSEV

ClinVar aggregate classification (germline): Pathogenic/Likely pathogenic. Review status: criteria provided, multiple submitters, no conflicts (2 of 4 stars). 6 submissions from 6 submitters: Pathogenic (2); Likely pathogenic (3). 1 of the submissions does not count toward it. Last evaluated 2025-09-03.

Conditions:
MCCC1-related disorder. Also called: MCCC1-related condition.
Methylcrotonyl-CoA carboxylase deficiency. Also called: 3-MCC Deficiency; 3 Methylcrotonylglycinuria; Deficiency of methylcrotonoyl-CoA carboxylase. Identifiers: Orphanet 6, MedGen C4551505, MONDO:0018950.
3-methylcrotonyl-CoA carboxylase 1 deficiency (MCC1D). Also called: MCC 1 deficiency; 3 Alpha methylcrotonylglycinuria 1; MCCD TYPE 1; METHYLCROTONYLGLYCINURIA TYPE I. Identifiers: Orphanet 6, MedGen CN028786, MONDO:0008861, OMIM 210200.

Allele frequency attached by ClinVar (database versions not stated): ExAC 0.00003; gnomAD exomes 0.00003 and 0.00001; gnomAD 0.00001.
gnomAD v4.1: 5 of 1,604,824 alleles (0.00031%); highest among the groups gnomAD compares: East Asian, 0.011%; no homozygotes.

Submissions (6):

Labcorp Genetics (formerly Invitae), Labcorp
Classification: Pathogenic for 3-methylcrotonyl-CoA carboxylase 1 deficiency. Last evaluated: 2025-09-03. Review status: criteria provided, single submitter. Criteria: Invitae Variant Classification Sherloc (09022015). Collection method: clinical testing. Allele origin: germline.
Comment: This sequence change replaces glutamic acid, which is acidic and polar, with glycine, which is neutral and non-polar, at codon 288 of the MCCC1 protein (p.Glu288Gly). This variant is present in population databases (rs746500530, gnomAD 0.04%). This missense change has been observed in individual(s) with 3-methylcrotonyl-CoA carboxylase deficiency (PMID: 22642865, 25382614, 31730530, 31901042, 36822454). ClinVar contains an entry for this variant (Variation ID: 476400). Invitae Evidence Modeling of protein sequence and biophysical properties (such as structural, functional, and spatial information, amino acid conservation, physicochemical variation, residue mobility, and thermodynamic stability) indicates that this missense variant is expected to disrupt MCCC1 protein function with a positive predictive value of 95%. Experimental studies have shown that this missense change affects MCCC1 function (PMID: 22642865). For these reasons, this variant has been classified as Pathogenic.

Women's Health and Genetics/Laboratory Corporation of America, LabCorp
Classification: Likely pathogenic for Methylcrotonyl-CoA carboxylase deficiency. Last evaluated: 2025-06-02. Review status: criteria provided, single submitter. Criteria: LabCorp Variant Classification Summary - May 2015. Collection method: clinical testing. Allele origin: germline.
Comment: Variant summary: MCCC1 c.863A>G (p.Glu288Gly) results in a non-conservative amino acid change located in the Carbamoyl-phosphate synthetase large subunit-like, ATP-binding domain (IPR005479) of the encoded protein sequence. Algorithms developed to predict the effect of missense changes on protein structure and function all suggest that this variant is likely to be disruptive. The variant allele was found at a frequency of 2.5e-05 in 237242 control chromosomes. c.863A>G has been observed in individual(s) affected with Methylcrotonyl-CoA Carboxylase Deficiency (Grunert_2012, Yang_2015, Wang_2019, Cheng_2023, Wu_2019). These data indicate that the variant may be associated with disease. At least one publication reports experimental evidence evaluating an impact on protein function. The most pronounced variant effect results in absence of normal 3-methylcrotonyl-CoA carboxylase (MCC) activity (Grunert_2012). The following publications have been ascertained in the context of this evaluation (PMID: 36822454, 22642865, 31730530, 31901042, 25382614). ClinVar contains an entry for this variant (Variation ID: 476400). Based on the evidence outlined above, the variant was classified as likely pathogenic.

Natera, Inc.
Classification: Likely pathogenic for 3-methylcrotonyl-CoA carboxylase 1 deficiency. Last evaluated: 2025-04-30. Review status: criteria provided, single submitter. Criteria: Natera Variant Classification Schema (03/2026). Collection method: clinical testing. Allele origin: germline.
Comment: The c.863A>G variant in MCCC1 is a missense variant predicted to cause substitution of glutamic acid to glycine at amino acid 288. This variant is rare in the general population with a frequency below the threshold expected for the associated phenotype(s). This variant has been observed in one or more individuals affected with the associated recessive disease, as either homozygous or compound heterozygous with a second variant (PMID: 36822454). Functional studies show that this variant may disrupt protein function (PMID: 22642865). Computational prediction algorithms indicate this variant is likely to affect gene or protein function. Given the available evidence, this variant is classified as Likely Pathogenic.

Revvity Omics, Revvity
Classification: Likely pathogenic for 3-methylcrotonyl-CoA carboxylase 1 deficiency. Last evaluated: 2024-06-20. Review status: criteria provided, single submitter. Criteria: ACMG Guidelines, 2015. Collection method: clinical testing. Allele origin: germline.

Baylor Genetics
Classification: Pathogenic for 3-methylcrotonyl-CoA carboxylase 1 deficiency. Last evaluated: 2024-03-04. Review status: criteria provided, single submitter. Criteria: ACMG Guidelines, 2015. Collection method: clinical testing. Allele origin: unknown.

PreventionGenetics, part of Exact Sciences
Classification: Likely pathogenic for MCCC1-related condition. Last evaluated: 2024-03-30. Review status: no assertion criteria provided. Collection method: clinical testing. Allele origin: germline. Not counted in ClinVar's aggregate classification.
Comment: The MCCC1 c.863A>G variant is predicted to result in the amino acid substitution p.Glu288Gly. This variant was reported in the homozygous state with with a second MCCC1 variant in individuals with abnormal newborn screen results consistent with 3-methylcrotonyl-CoA carboxylase deficiency (Grünert et al. 2012. PubMed ID: 22642865; Wang et al. 2019. PubMed ID: 31730530; Wu et al. 2019. PubMed ID: 31901042). In experimental studies, the p.Glu288Gly substitution severely reduced MCCC1 protein levels and abolished enzyme activity (Grünert et al. 2012. PubMed ID: 22642865). This variant is reported in 0.041% of alleles in individuals of East Asian descent in gnomAD. This variant is interpreted as likely pathogenic.

Literature cited by the submitters: PubMed 22642865 (cited by 3 submitters); PubMed 25382614 (cited by Labcorp Genetics (formerly Invitae), Labcorp and Women's Health and Genetics/Laboratory Corporation of America, LabCorp); PubMed 31730530 (cited by Labcorp Genetics (formerly Invitae), Labcorp and Women's Health and Genetics/Laboratory Corporation of America, LabCorp); PubMed 31901042 (cited by Labcorp Genetics (formerly Invitae), Labcorp and Women's Health and Genetics/Laboratory Corporation of America, LabCorp); PubMed 36822454 (cited by 3 submitters).